The following is an entry in ClinVar:

NM_005120.3(MED12):c.4222C>A (p.Pro1408Thr)

Gene: MED12 (mediator complex subunit 12; plus strand). Cytogenetic location: Xq13.1.
Variant type: single nucleotide variant.
Coding change: c.4222C>A on transcript NM_005120.3 (MANE Select); coding-DNA position 4222, C replaced by A.
Protein change: p.Pro1408Thr; replaces proline 1408 with threonine.
Molecular consequence: missense variant.
Genome position (GRCh38, 1-based): chrX:71,132,175, C>A. VCF-style: chrX-71132175-C-A. GRCh37 (hg19) VCF-style: chrX-70352025-C-A.
Other names: short protein forms P1408T.
Identifiers: ClinVar variation 1313836 (VCV001313836.2), dbSNP rs867023185, ClinGen allele CA413525908.

ClinVar aggregate classification (germline): Uncertain significance (1 of 4 stars; one submission).

Submission:

GeneDx
Classification: Uncertain significance. Last evaluated: 2021-01-11. Review status: criteria provided, single submitter. Criteria: GeneDx Variant Classification Process June 2021. Collection method: clinical testing. Allele origin: germline. Affected: yes.
Comment: Not observed in large population cohorts (Lek et al., 2016); In silico analysis supports that this missense variant does not alter protein structure/function; Has not been previously published as pathogenic or benign to our knowledge